The following is an entry in ClinVar:

ClinVar aggregate classification (germline): Uncertain significance (1 of 4 stars; one submission).

Allele frequency attached by ClinVar (database versions not stated): gnomAD exomes below 0.00001.
gnomAD v4.1: 1 of 1,613,646 alleles (0.000062%); highest among the groups gnomAD compares: Non-Finnish European, 0.000085%; no homozygotes.

Submission:

Labcorp Genetics (formerly Invitae), Labcorp
Classification: Uncertain significance. Last evaluated: 2023-04-09. Review status: criteria provided, single submitter. Criteria: Invitae Variant Classification Sherloc (09022015). Collection method: clinical testing. Allele origin: germline.
Comment: Advanced modeling of protein sequence and biophysical properties (such as structural, functional, and spatial information, amino acid conservation, physicochemical variation, residue mobility, and thermodynamic stability) performed at Invitae indicates that this missense variant is not expected to disrupt ATP6V1A protein function. This variant has not been reported in the literature in individuals affected with ATP6V1A-related conditions. This variant is not present in population databases (gnomAD no frequency). This sequence change replaces phenylalanine, which is neutral and non-polar, with leucine, which is neutral and non-polar, at codon 135 of the ATP6V1A protein (p.Phe135Leu). In summary, the available evidence is currently insufficient to determine the role of this variant in disease. Therefore, it has been classified as a Variant of Uncertain Significance.

NM_001690.4(ATP6V1A):c.403T>C (p.Phe135Leu)

Gene: ATP6V1A (ATPase H+ transporting V1 subunit A; plus strand). Cytogenetic location: 3q13.31.
Variant type: single nucleotide variant.
Coding change: c.403T>C on transcript NM_001690.4 (MANE Select); coding-DNA position 403, T replaced by C.
Protein change: p.Phe135Leu; replaces phenylalanine 135 with leucine.
Molecular consequence: missense variant.
Genome position (GRCh38, 1-based): chr3:113,784,415, T>C. VCF-style: chr3-113784415-T-C. GRCh37 (hg19) VCF-style: chr3-113503262-T-C.
Other names: short protein forms F135L.
Identifiers: ClinVar variation 2854272 (VCV002854272.3), dbSNP rs1709015408, ClinGen allele CA354008827.